The following is an entry in ClinVar:

ClinVar aggregate classification (germline): Uncertain significance (1 of 4 stars; one submission).

gnomAD v4.1: 6 of 1,606,160 alleles (0.00037%); highest among the groups gnomAD compares: Non-Finnish European, 0.00051%; no homozygotes.

Submission:

GeneDx
Classification: Uncertain significance. Last evaluated: 2025-03-27. Review status: criteria provided, single submitter. Criteria: GeneDx Variant Classification Process June 2021. Collection method: clinical testing. Allele origin: germline. Affected: yes.
Comment: Not observed at significant frequency in large population cohorts (gnomAD); In silico analysis supports that this missense variant has a deleterious effect on protein structure/function; Has not been previously published as pathogenic or benign to our knowledge

NM_001478.5(B4GALNT1):c.491G>A (p.Gly164Glu)

Gene: B4GALNT1 (beta-1,4-N-acetyl-galactosaminyltransferase 1; minus strand). Cytogenetic location: 12q13.3.
Variant type: single nucleotide variant.
Coding change: c.491G>A on transcript NM_001478.5 (MANE Select); coding-DNA position 491, G replaced by A.
Protein change: p.Gly164Glu; replaces glycine 164 with glutamic acid.
Molecular consequence: missense variant. On other transcripts: 5 prime UTR variant (4).
Genome position (GRCh38, 1-based): chr12:57,630,518, C>T on the plus strand (G>A on the coding strand, the complement: B4GALNT1 is on the minus strand). VCF-style: chr12-57630518-C-T. GRCh37 (hg19) VCF-style: chr12-58024301-C-T.
Other names: c.326G>A, p.Gly109Glu (NM_001276468.2, NM_001413978.1); c.491G>A, p.Gly164Glu (NM_001276469.2, NM_001413967.1, NM_001413968.1 and 9 more transcripts); c.-497G>A (NM_001413981.1, NM_001413982.1, NM_001413983.1 and 1 more transcripts); short protein forms G109E, G164E.
Identifiers: ClinVar variation 4278651 (VCV004278651.1).